The following is an entry in ClinVar:

NM_130849.4(SLC39A4):c.850G>A (p.Glu284Lys)

Gene: SLC39A4 (solute carrier family 39 member 4; minus strand). Cytogenetic location: 8q24.3.
Variant type: single nucleotide variant.
Coding change: c.850G>A on transcript NM_130849.4 (MANE Select); coding-DNA position 850, G replaced by A.
Protein change: p.Glu284Lys; replaces glutamic acid 284 with lysine.
Molecular consequence: missense variant.
Genome position (GRCh38, 1-based): chr8:144,414,851, C>T on the plus strand (G>A on the coding strand, the complement: SLC39A4 is on the minus strand). VCF-style: chr8-144414851-C-T. GRCh37 (hg19) VCF-style: chr8-145640235-C-T.
Other names: p.Glu284Lys; c.775G>A, p.Glu259Lys (NM_017767.3); short protein forms E284K, E259K.
Identifiers: ClinVar variation 362247 (VCV000362247.18), dbSNP rs7823979, ClinGen allele CA4941500.
Genomic context (GRCh38, chr8:144,414,851, plus strand): 5'-GCTGTTGGAGCAGGGCAGGGCTCAGTTGGGCCCAGGCCTCCGGGGTCACCCCAGCCTGTT[C>T]CGACAGTCCATATGCAGCCATCACGTCCCTGGCACTCAGGCATACCTGGGGGGTGGCAGG-3'
Protein context (NP_570901.3, residues 274-294): RDVMAAYGLS[Glu284Lys]QAGVTPEAWA

ClinVar aggregate classification (germline): Benign/Likely benign. Review status: criteria provided, multiple submitters, no conflicts (2 of 4 stars). 6 submissions from 6 submitters: Benign (3); Likely benign (2). 1 of the submissions does not count toward it. Last evaluated 2026-02-02.

Conditions:
Hereditary acrodermatitis enteropathica (AEZ). Also called: Acrodermatitis enteropathica. Identifiers: Orphanet 37, MedGen C0221036, MONDO:0008713, OMIM 201100.

Allele frequency attached by ClinVar (database versions not stated): gnomAD exomes 0.00737; ExAC 0.00899; gnomAD 0.02765 and 0.02971; 1000 Genomes Project 0.02796; ESP Exome Variant Server 0.03037; TOPMed 0.03099; 1000 Genomes Project 30x 0.03154.
gnomAD v4.1: 8,284 of 1,613,336 alleles (0.51%); highest among the groups gnomAD compares: African/African-American, 9.5%; 320 homozygotes.

Submissions (6):

Labcorp Genetics (formerly Invitae), Labcorp
Classification: Benign. Last evaluated: 2026-02-02. Review status: criteria provided, single submitter. Criteria: Invitae Variant Classification Sherloc (09022015). Collection method: clinical testing. Allele origin: germline.

Mayo Clinic Laboratories, Mayo Clinic
Classification: Benign. Last evaluated: 2025-07-23. Review status: criteria provided, single submitter. Criteria: ACMG Guidelines, 2015. Collection method: clinical testing. Allele origin: germline. Observed: 1 variant allele.
Comment: BS1, BS2

Illumina Laboratory Services, Illumina
Classification: Likely benign for Hereditary acrodermatitis enteropathica. Last evaluated: 2017-04-28. Review status: criteria provided, single submitter. Criteria: ICSL Variant Classification Criteria 13 December 2019. Collection method: clinical testing. Allele origin: germline.
Comment: This variant was observed as part of a predisposition screen in an ostensibly healthy population. A literature search was performed for the gene, cDNA change, and amino acid change (where applicable). Publications were found based on this search. The evidence from the literature, in combination with allele frequency data from public databases where available, was sufficient to determine this variant is unlikely to cause disease. Therefore, this variant is classified as likely benign.

Center for Pediatric Genomic Medicine, Children's Mercy Hospital and Clinics
Classification: Benign. Last evaluated: 2017-01-24. Review status: criteria provided, single submitter. Criteria: ACMG Guidelines, 2015. Collection method: clinical testing. Allele origin: germline.

Breakthrough Genomics
Classification: Likely benign. Review status: criteria provided, single submitter. Criteria: ACMG Guidelines, 2015. Collection method: not provided. Allele origin: germline. Inheritance: Autosomal recessive inheritance. Affected: yes.

Natera, Inc.
Classification: Benign for Acrodermatitis enteropathica. Last evaluated: 2020-09-16. Review status: no assertion criteria provided. Collection method: clinical testing. Allele origin: germline. Not counted in ClinVar's aggregate classification.

Literature cited by the submitters: PubMed 19370757 (cited by Illumina Laboratory Services, Illumina); PubMed 20981092 (cited by Illumina Laboratory Services, Illumina); PubMed 12955721 (cited by Illumina Laboratory Services, Illumina).